The following is an entry in ClinVar:

NC_000001.10:g.(?_241661128)_(241667555_?)del

Gene: FH (fumarate hydratase; minus strand). Cytogenetic location: 1q43.
Variant type: Deletion.
Identifiers: ClinVar variation 1457150 (VCV001457150.6).

ClinVar aggregate classification (germline): Pathogenic (1 of 4 stars; one submission).

Submission:

Labcorp Genetics (formerly Invitae), Labcorp
Classification: Pathogenic. Last evaluated: 2023-06-14. Review status: criteria provided, single submitter. Criteria: Invitae Variant Classification Sherloc (09022015). Collection method: clinical testing. Allele origin: germline.
Comment: For these reasons, this variant has been classified as Pathogenic. This variant disrupts a region of the FH protein in which other variant(s) (p.Gly490Alafs*12, p.Leu492Hisfs*6, p.Glu495Valfs*2, and p.Trp500*) have been determined to be pathogenic (PMID: 9635293, 12772087, 16597677, 21398687, 21404119; Invitae). This suggests that this is a clinically significant region of the protein, and that variants that disrupt it are likely to be disease-causing. A similar copy number variant has been observed in individual(s) with hereditary leiomyomatosis and renal cell carcinoma (PMID: 28196407). This variant is a gross deletion of the genomic region encompassing exon(s) 7-10 of the FH gene, which includes the termination codon. This deletion extends beyond the assayed region for this gene and therefore may encompass additional genes. While this deletion is not anticipated to lead to nonsense mediated decay, it is expected to alter mRNA translation or result in a truncated protein product.

Literature cited by the submitters: PubMed 9635293; PubMed 12772087; PubMed 16597677; PubMed 21398687; PubMed 21404119; PubMed 28196407.